The following is an entry in ClinVar:

NM_002386.4(MC1R):c.559G>T (p.Ala187Ser)

Gene: MC1R (melanocortin 1 receptor; plus strand). Cytogenetic location: 16q24.3.
Variant type: single nucleotide variant.
Coding change: c.559G>T on transcript NM_002386.4 (MANE Select); coding-DNA position 559, G replaced by T.
Protein change: p.Ala187Ser; replaces alanine 187 with serine.
Molecular consequence: missense variant.
Genome position (GRCh38, 1-based): chr16:89,919,817, G>T. VCF-style: chr16-89919817-G-T. GRCh37 (hg19) VCF-style: chr16-89986225-G-T.
Other names: short protein forms A187S.
Identifiers: ClinVar variation 3871053 (VCV003871053.1).

ClinVar aggregate classification (germline): Uncertain significance (1 of 4 stars; one submission).

Submission:

Ambry Genetics
Classification: Uncertain significance. Last evaluated: 2024-12-12. Review status: criteria provided, single submitter. Criteria: Ambry Variant Classification Scheme 2023. Collection method: clinical testing. Allele origin: germline.
Comment: The p.A187S variant (also known as c.559G>T), located in coding exon 1 of the MC1R gene, results from a G to T substitution at nucleotide position 559. The alanine at codon 187 is replaced by serine, an amino acid with similar properties. This amino acid position is conserved. In addition, this alteration is predicted to be tolerated by in silico analysis. Based on the available evidence, the clinical significance of this variant remains unclear.